The following is an entry in ClinVar:

NM_144687.4(NLRP12):c.2160_2161del (p.Tyr721fs)

Gene: NLRP12 (NLR family pyrin domain containing 12; minus strand). Cytogenetic location: 19q13.42.
Variant type: Deletion.
Coding change: c.2160_2161del on transcript NM_144687.4 (MANE Select); coding-DNA positions 2160 to 2161, 2 bases deleted (GT; older notation c.2160_2161delGT).
Protein change: p.Tyr721fs; shifts the reading frame from tyrosine 721.
Molecular consequence: frameshift variant.
Genome position (GRCh38, 1-based): chr19:53,807,577-53,807,578, AC deleted on the plus strand (GT on the coding strand, the reverse complement: NLRP12 is on the minus strand); deleting any 2 consecutive bases within chr19:53,807,577-53,807,579 gives the same sequence; the c. name uses the placement nearest the transcript's 3' end. VCF-style (leftmost placement, unchanged base first): chr19-53807576-TAC-T. GRCh37 (hg19) VCF-style: chr19-54310830-TAC-T.
Other names: c.2163_2164del, p.Tyr722fs (NM_001277126.2); c.2160_2161del, p.Tyr721fs (NM_001277129.1); short protein forms Y721fs, Y722fs.
Identifiers: ClinVar variation 4083244 (VCV004083244.1).

ClinVar aggregate classification (germline): Uncertain significance (1 of 4 stars; one submission).

Submission:

GeneDx
Classification: Uncertain significance. Last evaluated: 2025-03-12. Review status: criteria provided, single submitter. Criteria: GeneDx Variant Classification Process June 2021. Collection method: clinical testing. Allele origin: germline. Affected: yes.
Comment: Not observed at significant frequency in large population cohorts (gnomAD); Frameshift variant predicted to result in protein truncation or nonsense mediated decay in a gene or region of a gene for which loss of function is not a well-established mechanism of disease; Has not been previously published as pathogenic or benign to our knowledge